The following is an entry in ClinVar:

NM_001127222.2(CACNA1A):c.4280A>G (p.Glu1427Gly)

Gene: CACNA1A (calcium voltage-gated channel subunit alpha1 A; minus strand). Cytogenetic location: 19p13.13.
Variant type: single nucleotide variant.
Coding change: c.4280A>G on transcript NM_001127222.2 (MANE Select); coding-DNA position 4280, A replaced by G.
Protein change: p.Glu1427Gly; replaces glutamic acid 1427 with glycine.
Molecular consequence: missense variant.
Genome position (GRCh38, 1-based): chr19:13,259,672, T>C on the plus strand (A>G on the coding strand, the complement: CACNA1A is on the minus strand). VCF-style: chr19-13259672-T-C. GRCh37 (hg19) VCF-style: chr19-13370486-T-C.
Other names: c.4292A>G, p.Glu1431Gly (NM_000068.4, NM_023035.3); c.4283A>G, p.Glu1428Gly (NM_001127221.2, NM_001174080.2); short protein forms E1427G, E1428G, E1431G.
Identifiers: ClinVar variation 3754156 (VCV003754156.2).

ClinVar aggregate classification (germline): Uncertain significance (1 of 4 stars; one submission).

Conditions:
Episodic ataxia type 2 (EA2). Also called: ATAXIA, EPISODIC, WITH NYSTAGMUS; ATAXIA, FAMILIAL PAROXYSMAL; ACETAZOLAMIDE-RESPONSIVE HEREDITARY PAROXYSMAL CEREBELLAR ATAXIA; CEREBELLAR ATAXIA, PAROXYSMAL, ACETAZOLAMIDE-RESPONSIVE; CEREBELLOPATHY, HEREDITARY PAROXYSMAL; EPISODIC ATAXIA, NYSTAGMUS-ASSOCIATED. Identifiers: Orphanet 97, MedGen C1720416, MONDO:0007163, OMIM 108500.
Developmental and epileptic encephalopathy, 42 (DEE42A). Also called: Epileptic encephalopathy, early infantile, 42; DEVELOPMENTAL AND EPILEPTIC ENCEPHALOPATHY 42A; EPILEPTIC ENCEPHALOPATHY, EARLY INFANTILE, 42A. Identifiers: MedGen C4310716, MONDO:0014917, OMIM 617106.

Submission:

Labcorp Genetics (formerly Invitae), Labcorp
Classification: Uncertain significance for Developmental and epileptic encephalopathy, 42; Episodic ataxia type 2. Last evaluated: 2024-04-02. Review status: criteria provided, single submitter. Criteria: Invitae Variant Classification Sherloc (09022015). Collection method: clinical testing. Allele origin: germline.
Comment: This sequence change replaces glutamic acid, which is acidic and polar, with glycine, which is neutral and non-polar, at codon 1428 of the CACNA1A protein (p.Glu1428Gly). This variant is not present in population databases (gnomAD no frequency). This variant has not been reported in the literature in individuals affected with CACNA1A-related conditions. Advanced modeling of protein sequence and biophysical properties (such as structural, functional, and spatial information, amino acid conservation, physicochemical variation, residue mobility, and thermodynamic stability) has been performed at Invitae for this missense variant, however the output from this modeling did not meet the statistical confidence thresholds required to predict the impact of this variant on CACNA1A protein function. In summary, the available evidence is currently insufficient to determine the role of this variant in disease. Therefore, it has been classified as a Variant of Uncertain Significance.